The following is an entry in ClinVar:

ClinVar aggregate classification (germline): Uncertain significance (1 of 4 stars; one submission).

Submission:

GeneDx
Classification: Uncertain significance. Last evaluated: 2025-03-20. Review status: criteria provided, single submitter. Criteria: GeneDx Variant Classification Process June 2021. Collection method: clinical testing. Allele origin: germline.
Comment: Not observed at significant frequency in large population cohorts (gnomAD); Canonical splice site variant with an unclear effect on protein function; Has not been previously published as pathogenic or benign to our knowledge; Variants in candidate genes are classified as variants of uncertain significance in accordance with ACMG guidelines (PMID: 25741868)

NM_002332.3(LRP1):c.837_841+14del

Genes: LRP1 (LDL receptor related protein 1; plus strand), LRP1-AS (LRP1 antisense RNA; minus strand). Cytogenetic location: 12q13.3.
Variant type: Deletion.
Coding change: c.837_841+14del on transcript NM_002332.3 (MANE Select); coding-DNA position 837 through 14 bases into the intron after coding-DNA position 841, 19 bases deleted (GCACCGTGAGTCACCTGCT).
Molecular consequence: splice donor variant.
Genome position (GRCh38, 1-based): chr12:57,145,486-57,145,504, GCACCGTGAGTCACCTGCT deleted; deleting any 19 consecutive bases within chr12:57,145,484-57,145,504 gives the same sequence; the c. name uses the placement nearest the transcript's 3' end. VCF-style (leftmost placement, unchanged base first): chr12-57145483-TCTGCACCGTGAGTCACCTG-T. GRCh37 (hg19) VCF-style: chr12-57539266-TCTGCACCGTGAGTCACCTG-T.
Identifiers: ClinVar variation 4975118 (VCV004975118.1).
Genomic context (GRCh38, chr12:57,145,483, plus strand): 5'-TGCCCGCATGCCTGGCCTAAAGGGCTTCGTGGATGAGCACACCATCAACATCTCCCTCAG[TCTGCACCGTGAGTCACCTG>T]CTCTCAGCTTGGAGGGCTGGGGAGGGTAGGGGAGACAGGGAAGGTGGACCCTATCTTGAA-3'